The following is an entry in ClinVar:

NM_002439.5(MSH3):c.2084+1G>A

Gene: MSH3 (mutS homolog 3; plus strand). Cytogenetic location: 5q14.1.
Variant type: single nucleotide variant.
Coding change: c.2084+1G>A on transcript NM_002439.5 (MANE Select); the canonical splice donor site of the intron after coding-DNA position 2084, G replaced by A.
Molecular consequence: splice donor variant.
Genome position (GRCh38, 1-based): chr5:80,768,121, G>A. VCF-style: chr5-80768121-G-A. GRCh37 (hg19) VCF-style: chr5-80063940-G-A.
Identifiers: ClinVar variation 1505587 (VCV001505587.9), dbSNP rs2112884587, ClinGen allele CA360278044.

ClinVar aggregate classification (germline): Likely pathogenic. Review status: criteria provided, multiple submitters, no conflicts (2 of 4 stars). 3 submissions from 3 submitters: Likely pathogenic (3). Last evaluated 2025-02-05.

Conditions:
Familial adenomatous polyposis 4 (FAP4). Also called: MSH3-related attenuated familial adenomatous polyposis. Identifiers: Orphanet 480536, MedGen C4310719, MONDO:0044300, OMIM 617100.
Hereditary cancer-predisposing syndrome. Also called: Hereditary neoplastic syndrome; Tumor predisposition; Neoplastic Syndromes, Hereditary; Hereditary Cancer Syndrome. Identifiers: Orphanet 140162, MedGen C0027672, MeSH D009386, MONDO:0015356.

Allele frequency attached by ClinVar (database versions not stated): gnomAD exomes below 0.00001.
gnomAD v4.1: 1 of 1,612,988 alleles (0.000062%); highest among the groups gnomAD compares: Non-Finnish European, 0.000085%; no homozygotes.

Submissions (3):

Ambry Genetics
Classification: Likely pathogenic for Hereditary cancer-predisposing syndrome. Last evaluated: 2025-02-05. Review status: criteria provided, single submitter. Criteria: Ambry Variant Classification Scheme 2023. Collection method: clinical testing. Allele origin: germline.
Comment: The c.2084+1G>A intronic variant results from a G to A substitution one nucleotide after coding exon 14 of the MSH3 gene. This nucleotide position is highly conserved in available vertebrate species. In silico splice site analysis predicts that this alteration will weaken the native splice donor site and may result in the creation or strengthening of a novel splice donor site; however, direct evidence is insufficient at this time (Ambry internal data). This variant is considered to be rare based on population cohorts in the Genome Aggregation Database (gnomAD). Alterations that disrupt the canonical splice site are expected to cause aberrant splicing, resulting in an abnormal protein or a transcript that is subject to nonsense-mediated mRNA decay. As such, this alteration is classified as likely pathogenic.

Labcorp Genetics (formerly Invitae), Labcorp
Classification: Likely pathogenic. Last evaluated: 2023-08-04. Review status: criteria provided, single submitter. Criteria: Invitae Variant Classification Sherloc (09022015). Collection method: clinical testing. Allele origin: germline.
Comment: This variant has not been reported in the literature in individuals affected with MSH3-related conditions. This variant is not present in population databases (gnomAD no frequency). This sequence change affects a donor splice site in intron 14 of the MSH3 gene. It is expected to disrupt RNA splicing. Variants that disrupt the donor or acceptor splice site typically lead to a loss of protein function (PMID: 16199547), and loss-of-function variants in MSH3 are known to be pathogenic (PMID: 27476653). ClinVar contains an entry for this variant (Variation ID: 1505587). In summary, the currently available evidence indicates that the variant is pathogenic, but additional data are needed to prove that conclusively. Therefore, this variant has been classified as Likely Pathogenic. Algorithms developed to predict the effect of sequence changes on RNA splicing suggest that this variant may disrupt the consensus splice site.

Myriad Genetics, Inc.
Classification: Likely pathogenic for Familial adenomatous polyposis 4. Last evaluated: 2023-01-11. Review status: criteria provided, single submitter. Criteria: Myriad Autosomal Dominant, Autosomal Recessive and X-Linked Classification Criteria (2023). Collection method: clinical testing. Allele origin: unknown.
Comment: This variant is considered likely pathogenic. This variant occurs within a consensus splice junction and is predicted to result in abnormal mRNA splicing of either an out-of-frame exon or an in-frame exon necessary for protein stability and/or normal function.

Literature cited by the submitters: PubMed 16199547 (cited by Labcorp Genetics (formerly Invitae), Labcorp); PubMed 27476653 (cited by Labcorp Genetics (formerly Invitae), Labcorp).